The following is an entry in ClinVar:

ClinVar aggregate classification (germline): Uncertain significance (1 of 4 stars; one submission).

gnomAD v4.1: 1 of 1,590,090 alleles (0.000063%); highest among the groups gnomAD compares: South Asian, 0.0011%; no homozygotes.

Submission:

GeneDx
Classification: Uncertain significance. Last evaluated: 2025-08-14. Review status: criteria provided, single submitter. Criteria: GeneDx Variant Classification Process June 2021. Collection method: clinical testing. Allele origin: germline.
Comment: Not observed at significant frequency in large population cohorts (gnomAD); In silico analysis suggests that this missense variant does not alter protein structure/function; Has not been previously published as pathogenic or benign to our knowledge

NM_178857.6(RP1L1):c.6445G>C (p.Glu2149Gln)

Gene: RP1L1 (RP1 like 1). Cytogenetic location: 8p23.1.
Variant type: single nucleotide variant.
Coding change: c.6445G>C on transcript NM_178857.6 (MANE Select); coding-DNA position 6445, G replaced by C.
Protein change: p.Glu2149Gln; replaces glutamic acid 2149 with glutamine.
Molecular consequence: missense variant.
Genome position (GRCh38, 1-based): chr8:10,607,653, C>G on the plus strand (G>C on the coding strand, the complement: RP1L1 is on the minus strand). VCF-style: chr8-10607653-C-G. GRCh37 (hg19) VCF-style: chr8-10465163-C-G.
Other names: short protein forms E2149Q.
Identifiers: ClinVar variation 3365292 (VCV003365292.2).